The following is an entry in ClinVar:

ClinVar aggregate classification (germline): Pathogenic (1 of 4 stars; one submission).

Conditions:
Otospondylomegaepiphyseal dysplasia, autosomal recessive (OSMEDB). Also called: Insley-Astley syndrome; CHONDRODYSTROPHY WITH SENSORINEURAL DEAFNESS. Identifiers: Orphanet 1427, MedGen CN034493, MONDO:0044206, OMIM 215150.

Submission:

Baylor Genetics
Classification: Pathogenic for Otospondylomegaepiphyseal dysplasia, autosomal recessive. Last evaluated: 2017-09-01. Review status: criteria provided, single submitter. Criteria: ACMG Guidelines, 2015. Collection method: clinical testing. Allele origin: de novo. Inheritance: Autosomal unknown. Affected: yes.
Comment: This mutation removes the splice acceptor site in intron 22 and the first 11 bases of exon 23. This deletion is predicted to affect splicing of the COL2A1 gene; however, the effect on the protein is uncertain without functional characterization of the altered splice pattern. However, due to a predicted effect on splicing, this mutation is categorized as deleterious according to ACMG guidelines (PMID:18414213).

Literature cited by the submitters: PubMed 25326635.

NM_001844.5(COL2A1):c.1420-7_1430del

Gene: COL2A1 (collagen type II alpha 1 chain; minus strand). Cytogenetic location: 12q13.11.
Variant type: Deletion.
Coding change: c.1420-7_1430del on transcript NM_001844.5 (MANE Select); 7 bases into the intron before coding-DNA position 1420 through coding-DNA position 1430, 18 bases deleted (TCCTCAGGGCCCTGCTGG).
Molecular consequence: splice acceptor variant.
Genome position (GRCh38, 1-based): chr12:47,986,433-47,986,450, CCAGCAGGGCCCTGAGGA deleted on the plus strand (TCCTCAGGGCCCTGCTGG on the coding strand, the reverse complement: COL2A1 is on the minus strand); deleting any 18 consecutive bases within chr12:47,986,433-47,986,456 gives the same sequence; the c. name uses the placement nearest the transcript's 3' end. VCF-style (leftmost placement, unchanged base first): chr12-47986432-GCCAGCAGGGCCCTGAGGA-G. GRCh37 (hg19) VCF-style: chr12-48380215-GCCAGCAGGGCCCTGAGGA-G.
Other names: c.1213-7_1223del (NM_033150.3); c.1420-7_1430del18 (NM_001844.4).
Identifiers: ClinVar variation 560983 (VCV000560983.2), dbSNP rs1565683138, ClinGen allele CA658823369.